The following is an entry in ClinVar:

ClinVar aggregate classification (germline): Likely benign (1 of 4 stars; one submission).

Allele frequency attached by ClinVar (database versions not stated): 1000 Genomes Project 0.00040; gnomAD 0.00075; ExAC 0.00107; gnomAD exomes 0.00131.
gnomAD v4.1: 1,902 of 1,520,058 alleles (0.13%); highest among the groups gnomAD compares: South Asian, 0.18%; 140 homozygotes.

Submission:

CeGaT Center for Human Genetics Tuebingen
Classification: Likely benign. Last evaluated: 2022-09-01. Review status: criteria provided, single submitter. Criteria: CeGaT Center For Human Genetics Tuebingen Variant Classification Criteria Version 2. Collection method: clinical testing. Allele origin: germline. Affected: yes. Observed: 1 variant allele.
Comment: MUC4: BP4, BP7

NM_018406.7(MUC4):c.10548T>C (p.Gly3516=)

Gene: MUC4 (mucin 4, cell surface associated). Cytogenetic location: 3q29.
Variant type: single nucleotide variant.
Coding change: c.10548T>C on transcript NM_018406.7 (MANE Select); coding-DNA position 10548, T replaced by C.
Protein change: p.Gly3516=; no amino-acid change (glycine 3516 retained).
Molecular consequence: synonymous variant. On other transcripts: genic upstream transcript variant (2).
Genome position (GRCh38, 1-based): chr3:195,781,032, A>G on the plus strand (T>C on the coding strand, the complement: MUC4 is on the minus strand). VCF-style: chr3-195781032-A-G. GRCh37 (hg19) VCF-style: chr3-195507903-A-G.
Other names: c.15318T>C, p.Gly5106= (NM_001322468.1); c.83-6727T>C (NM_138297.5); c.83-2577T>C (NM_004532.6).
Identifiers: ClinVar variation 2654423 (VCV002654423.24), dbSNP rs560809712, ClinGen allele CA2770049.
Genomic context (GRCh38, chr3:195,781,032, plus strand): 5'-AGGCGTGGCGTGACCGGTGGATACTGAGGAAGTGTCGGTGACAGGAAGAGGGGTGGCGTG[A>G]CCGGTGGATGCTGAGGAAGCGCCGGTGACAGGAAGAGTGCTGGTGTCACCTGTGGATGCT-3'
Protein context (NP_060876.5, residues 3506-3526): PVTGASSAST[Gly3516=]HATPLPVTDT